The following is an entry in ClinVar:

NM_170707.4(LMNA):c.705del (p.Glu236fs)

Gene: LMNA (lamin A/C; plus strand). Cytogenetic location: 1q22.
Variant type: Deletion.
Coding change: c.705del on transcript NM_170707.4 (MANE Select); coding-DNA position 705, one base deleted (T; older notation c.705delT).
Protein change: p.Glu236fs; shifts the reading frame from glutamic acid 236.
Molecular consequence: frameshift variant.
Genome position (GRCh38, 1-based): chr1:156,134,870, T deleted. VCF-style (leftmost placement, unchanged base first): chr1-156134869-GT-G. GRCh37 (hg19) VCF-style: chr1-156104660-GT-G.
Other names: c.369del, p.Glu124fs (NM_001257374.3); c.462del, p.Glu155fs (NM_001282624.2); c.705del, p.Glu236fs (NM_001282625.2, NM_001282626.2, NM_005572.4 and 1 more transcripts); short protein forms E124fs, E155fs, E236fs.
Identifiers: ClinVar variation 937411 (VCV000937411.7), dbSNP rs1651401067, ClinGen allele CA1139656355.

ClinVar aggregate classification (germline): Pathogenic (1 of 4 stars; one submission).

Conditions:
Charcot-Marie-Tooth disease type 2. Also called: Charcot-Marie-Tooth type 2. Identifiers: Orphanet 64746, MedGen C0270914, MONDO:0018993.

Submission:

Labcorp Genetics (formerly Invitae), Labcorp
Classification: Pathogenic for Charcot-Marie-Tooth disease type 2. Last evaluated: 2019-06-25. Review status: criteria provided, single submitter. Criteria: Invitae Variant Classification Sherloc (09022015). Collection method: clinical testing. Allele origin: germline.
Comment: This sequence change creates a premature translational stop signal (p.Glu236Serfs*244) in the LMNA gene. It is expected to result in an absent or disrupted protein product. This variant is not present in population databases (ExAC no frequency). This variant has not been reported in the literature in individuals with LMNA-related conditions. Loss-of-function variants in LMNA are known to be pathogenic (PMID: 18585512, 18926329). For these reasons, this variant has been classified as Pathogenic.

Literature cited by the submitters: PubMed 18585512; PubMed 18926329.